The following is an entry in ClinVar:

ClinVar aggregate classification (germline): Conflicting classifications of pathogenicity. Review status: criteria provided, conflicting classifications (1 of 4 stars). 4 submissions from 4 submitters: Uncertain significance (3); Likely benign (1). Last evaluated 2026-05-12.

Conditions:
Inborn genetic diseases. Identifiers: MedGen C0950123, MeSH D030342.

Allele frequency attached by ClinVar (database versions not stated): ExAC 0.00001.
gnomAD v4.1: 40 of 1,609,768 alleles (0.0025%); highest among the groups gnomAD compares: Non-Finnish European, 0.0031%; no homozygotes.

Submissions (4):

Women's Health and Genetics/Laboratory Corporation of America, LabCorp
Classification: Uncertain significance. Last evaluated: 2026-05-12. Review status: criteria provided, single submitter. Criteria: LabCorp Variant Classification Summary - May 2015. Collection method: clinical testing. Allele origin: germline.

Ambry Genetics
Classification: Uncertain significance for Inborn genetic diseases. Last evaluated: 2024-10-19. Review status: criteria provided, single submitter. Criteria: Ambry Variant Classification Scheme 2023. Collection method: clinical testing. Allele origin: germline.

Labcorp Genetics (formerly Invitae), Labcorp
Classification: Likely benign. Last evaluated: 2024-10-17. Review status: criteria provided, single submitter. Criteria: Invitae Variant Classification Sherloc (09022015). Collection method: clinical testing. Allele origin: germline.

GeneDx
Classification: Uncertain significance. Last evaluated: 2022-04-26. Review status: criteria provided, single submitter. Criteria: GeneDx Variant Classification Process June 2021. Collection method: clinical testing. Allele origin: germline. Affected: yes.
Comment: Has not been previously published as pathogenic or benign to our knowledge; In silico analysis supports that this missense variant has a deleterious effect on protein structure/function

NM_080680.3(COL11A2):c.3830C>A (p.Pro1277His)

Gene: COL11A2 (collagen type XI alpha 2 chain; minus strand). Cytogenetic location: 6p21.32.
Variant type: single nucleotide variant.
Coding change: c.3830C>A on transcript NM_080680.3 (MANE Select); coding-DNA position 3830, C replaced by A.
Protein change: p.Pro1277His; replaces proline 1277 with histidine.
Molecular consequence: missense variant.
Genome position (GRCh38, 1-based): chr6:33,168,977, G>T on the plus strand (C>A on the coding strand, the complement: COL11A2 is on the minus strand). VCF-style: chr6-33168977-G-T. GRCh37 (hg19) VCF-style: chr6-33136754-G-T.
Other names: c.3509C>A, p.Pro1170His (NM_080679.3); c.3572C>A, p.Pro1191His (NM_080681.3); short protein forms P1170H, P1191H, P1277H.
Identifiers: ClinVar variation 1189049 (VCV001189049.12), dbSNP rs777156156, ClinGen allele CA3750357.